The following is an entry in ClinVar:

NM_000642.3(AGL):c.1083C>G (p.Asp361Glu)

Gene: AGL (amylo-alpha-1,6-glucosidase and 4-alpha-glucanotransferase; plus strand). Cytogenetic location: 1p21.2.
Variant type: single nucleotide variant.
Coding change: c.1083C>G on transcript NM_000642.3 (MANE Select); coding-DNA position 1083, C replaced by G.
Protein change: p.Asp361Glu; replaces aspartic acid 361 with glutamic acid.
Molecular consequence: missense variant.
Genome position (GRCh38, 1-based): chr1:99,875,154, C>G. VCF-style: chr1-99875154-C-G. GRCh37 (hg19) VCF-style: chr1-100340710-C-G.
Other names: c.1083C>G, p.Asp361Glu (NM_000643.3, NM_000644.3, NM_001425325.1 and 2 more transcripts); c.1035C>G, p.Asp345Glu (NM_000646.3); c.879C>G, p.Asp293Glu (NM_001425328.1, NM_001425329.1); c.705C>G, p.Asp235Glu (NM_001425332.1); short protein forms D361E, D345E, D235E, D293E.
Identifiers: ClinVar variation 1492483 (VCV001492483.8), dbSNP rs928357712, ClinGen allele CA341344618.

ClinVar aggregate classification (germline): Uncertain significance. Review status: criteria provided, multiple submitters, no conflicts (2 of 4 stars). 3 submissions from 3 submitters: Uncertain significance (3). Last evaluated 2023-04-11.

Conditions:
Glycogen storage disease type III (GSD3). Also called: FORBES DISEASE; Cori disease. Identifiers: Orphanet 366, MedGen C0017922, MONDO:0009291, OMIM 232400.

Allele frequency attached by ClinVar (database versions not stated): gnomAD exomes below 0.00001; TOPMed 0.00001.
gnomAD v4.1: 1 of 1,613,114 alleles (0.000062%); highest among the groups gnomAD compares: African/African-American, 0.0013%; no homozygotes.

Submissions (3):

Genome-Nilou Lab
Classification: Uncertain significance for Glycogen storage disease type III. Last evaluated: 2023-04-11. Review status: criteria provided, single submitter. Criteria: ACMG Guidelines, 2015. Collection method: clinical testing. Allele origin: germline. Affected: no.

Labcorp Genetics (formerly Invitae), Labcorp
Classification: Uncertain significance for Glycogen storage disease type III. Last evaluated: 2022-06-13. Review status: criteria provided, single submitter. Criteria: Invitae Variant Classification Sherloc (09022015). Collection method: clinical testing. Allele origin: germline.
Comment: In summary, the available evidence is currently insufficient to determine the role of this variant in disease. Therefore, it has been classified as a Variant of Uncertain Significance. Algorithms developed to predict the effect of sequence changes on RNA splicing suggest that this variant may create or strengthen a splice site. Algorithms developed to predict the effect of missense changes on protein structure and function (SIFT, PolyPhen-2, Align-GVGD) all suggest that this variant is likely to be tolerated. This variant has not been reported in the literature in individuals affected with AGL-related conditions. This variant is present in population databases (no rsID available, gnomAD 0.007%). This sequence change replaces aspartic acid, which is acidic and polar, with glutamic acid, which is acidic and polar, at codon 361 of the AGL protein (p.Asp361Glu).

Fulgent Genetics
Classification: Uncertain significance for Glycogen storage disease type III. Last evaluated: 2021-10-18. Review status: criteria provided, single submitter. Criteria: ACMG Guidelines, 2015. Collection method: clinical testing. Allele origin: unknown.